The following is an entry in ClinVar:

NM_033026.6(PCLO):c.11733A>G (p.Gln3911=)

Gene: PCLO (piccolo presynaptic cytomatrix protein; minus strand). Cytogenetic location: 7q21.11.
Variant type: single nucleotide variant.
Coding change: c.11733A>G on transcript NM_033026.6 (MANE Select); coding-DNA position 11733, A replaced by G.
Protein change: p.Gln3911=; no amino-acid change (glutamine 3911 retained).
Molecular consequence: synonymous variant.
Genome position (GRCh38, 1-based): chr7:82,916,253, T>C on the plus strand (A>G on the coding strand, the complement: PCLO is on the minus strand). VCF-style: chr7-82916253-T-C. GRCh37 (hg19) VCF-style: chr7-82545569-T-C.
Other names: c.11733A>G, p.Gln3911= (NM_014510.3).
Identifiers: ClinVar variation 1116605 (VCV001116605.31), dbSNP rs373124910, ClinGen allele CA4319511.
Genomic context (GRCh38, chr7:82,916,253, plus strand): 5'-CACAGCTTGGAATGTTGGCTGAGTCTGATAAGGTGAAACTTGCTGATGGTACAAAGTTTG[T>C]TGCTCAAAATGAGACTGTTGAGTGTATGAGGTGGGTGCTTGGGTAGGAAGAGCAGGGGAA-3'
Protein context (NP_149015.2, residues 3901-3921): TSYTQQSHFE[Gln3911=]QTLYHQQVSP

ClinVar aggregate classification (germline): Likely benign. Review status: criteria provided, multiple submitters, no conflicts (2 of 4 stars). 3 submissions from 3 submitters: Likely benign (3). Last evaluated 2026-01-12.

Allele frequency attached by ClinVar (database versions not stated): TOPMed 0.00020; gnomAD exomes 0.00027 and 0.00032; gnomAD 0.00033 and 0.00035; ExAC 0.00035; ESP Exome Variant Server 0.00040.
gnomAD v4.1: 432 of 1,613,704 alleles (0.027%); highest among the groups gnomAD compares: Non-Finnish European, 0.027%; 1 homozygote.

Submissions (3):

Labcorp Genetics (formerly Invitae), Labcorp
Classification: Likely benign. Last evaluated: 2026-01-12. Review status: criteria provided, single submitter. Criteria: Invitae Variant Classification Sherloc (09022015). Collection method: clinical testing. Allele origin: germline.

Women's Health and Genetics/Laboratory Corporation of America, LabCorp
Classification: Likely benign. Last evaluated: 2024-02-07. Review status: criteria provided, single submitter. Criteria: LabCorp Variant Classification Summary - May 2015. Collection method: clinical testing. Allele origin: germline.

CeGaT Center for Human Genetics Tuebingen
Classification: Likely benign. Last evaluated: 2023-05-01. Review status: criteria provided, single submitter. Criteria: CeGaT Center For Human Genetics Tuebingen Variant Classification Criteria Version 2. Collection method: clinical testing. Allele origin: germline. Affected: yes. Observed: 1 variant allele.
Comment: PCLO: BP4, BP7